The following is an entry in ClinVar:

NM_001291867.2(NHS):c.1336G>C (p.Asp446His)

Gene: NHS (NHS actin remodeling regulator; plus strand). Cytogenetic location: Xp22.13.
Variant type: single nucleotide variant.
Coding change: c.1336G>C on transcript NM_001291867.2 (MANE Select); coding-DNA position 1336, G replaced by C.
Protein change: p.Asp446His; replaces aspartic acid 446 with histidine.
Molecular consequence: missense variant.
Genome position (GRCh38, 1-based): chrX:17,725,442, G>C. VCF-style: chrX-17725442-G-C. GRCh37 (hg19) VCF-style: chrX-17743562-G-C.
Other names: c.805G>C, p.Asp269His (NM_001136024.4); c.742G>C, p.Asp248His (NM_001291868.2); c.1273G>C, p.Asp425His (NM_198270.4); short protein forms D248H, D269H, D425H, D446H.
Identifiers: ClinVar variation 1306661 (VCV001306661.2), dbSNP rs2147141785, ClinGen allele CA412350972.

ClinVar aggregate classification (germline): Uncertain significance (1 of 4 stars; one submission).

Submission:

GeneDx
Classification: Uncertain significance. Last evaluated: 2019-06-30. Review status: criteria provided, single submitter. Criteria: GeneDx Variant Classification Process June 2021. Collection method: clinical testing. Allele origin: germline. Affected: yes.
Comment: Not observed in large population cohorts (Lek et al., 2016); In silico analysis, which includes protein predictors and evolutionary conservation, supports a deleterious effect; Has not been previously published as pathogenic or benign to our knowledge